The following is an entry in ClinVar:

NM_207371.4(SKIDA1):c.906GGC[10] (p.Ala318_Gly319insAla)

Gene: SKIDA1 (SKI/DACH domain containing 1; minus strand). Cytogenetic location: 10p12.31.
Variant type: Microsatellite.
Coding change: c.906GGC[10] on transcript NM_207371.4 (MANE Select); ten copies in a row of the 3-base unit GGC starting at c.906; the reference has nine copies in a row; one copy, 3 bases duplicated.
Protein change: p.Ala318_Gly319insAla.
Molecular consequence: inframe insertion.
Genome position (GRCh38, 1-based): chr10:21,516,891-21,516,893, GCC duplicated on the plus strand (GGC on the coding strand, the reverse complement: SKIDA1 is on the minus strand); duplicating any 3 consecutive bases within chr10:21,516,891-21,516,917 gives the same sequence; the position shown is the placement nearest the transcript's 3' end. VCF-style (leftmost placement, unchanged base first): chr10-21516890-T-TGCC. GRCh37 (hg19) VCF-style: chr10-21805819-T-TGCC.
Identifiers: ClinVar variation 2640344 (VCV002640344.24), dbSNP rs749533809, ClinGen allele CA5434190.

ClinVar aggregate classification (germline): Benign (1 of 4 stars; one submission).

Submission:

CeGaT Center for Human Genetics Tuebingen
Classification: Benign. Last evaluated: 2022-12-01. Review status: criteria provided, single submitter. Criteria: CeGaT Center For Human Genetics Tuebingen Variant Classification Criteria Version 2. Collection method: clinical testing. Allele origin: germline. Affected: yes. Observed: 2 variant alleles.
Comment: SKIDA1: BS1, BS2